The following is an entry in ClinVar:

ClinVar aggregate classification (germline): Likely pathogenic (1 of 4 stars; one submission).

Conditions:
Developmental delay with or without intellectual impairment or behavioral abnormalities. Identifiers: MedGen C5562004, MONDO:0859199, OMIM 619575.

Submission:

Juno Genomics, Hangzhou Juno Genomics, Inc
Classification: Likely pathogenic for Developmental delay with or without intellectual impairment or behavioral abnormalities. Review status: criteria provided, single submitter. Criteria: ACMG Guidelines, 2015. Collection method: clinical testing. Allele origin: germline. Affected: yes.
Comment: Absent from controls (or at extremely low frequency if recessive) in Genome Aggregation Database, Exome Sequencing Project, 1000 Genomes Project, or Exome Aggregation Consortium.;Null variant in a gene where loss of function (LOF) is a known mechanism of disease.

NM_020791.4(TAOK1):c.1594G>T (p.Glu532Ter)

Gene: TAOK1 (TAO kinase 1; plus strand). Cytogenetic location: 17q11.2.
Variant type: single nucleotide variant.
Coding change: c.1594G>T on transcript NM_020791.4 (MANE Select); coding-DNA position 1594, G replaced by T.
Protein change: p.Glu532Ter; replaces glutamic acid 532 with a stop codon.
Molecular consequence: nonsense.
Genome position (GRCh38, 1-based): chr17:29,510,882, G>T. VCF-style: chr17-29510882-G-T. GRCh37 (hg19) VCF-style: chr17-27837900-G-T.
Other names: c.1594G>T, p.Glu532Ter (NM_025142.1); short protein forms E532*.
Identifiers: ClinVar variation 4796520 (VCV004796520.1).